The following is an entry in ClinVar:

ClinVar aggregate classification (germline): Uncertain significance. Review status: criteria provided, multiple submitters, no conflicts (2 of 4 stars). 2 submissions from 2 submitters: Uncertain significance (2). Last evaluated 2026-04-09.

Conditions:
ASIC5-related disorder. Also called: ASIC5-related condition.

gnomAD v4.1: 158 of 1,608,462 alleles (0.0098%); highest among the groups gnomAD compares: Non-Finnish European, 0.013%; no homozygotes.

Submissions (2):

PreventionGenetics, part of Exact Sciences
Classification: Uncertain significance for ASIC5-related condition. Last evaluated: 2026-04-09. Review status: criteria provided, single submitter. Criteria: ACMG Guidelines, 2015. Collection method: clinical testing. Allele origin: germline.
Comment: The ASIC5 c.1444A>G variant is predicted to result in the amino acid substitution p.Ile482Val. To our knowledge, this variant has not been reported in the literature. This variant is reported in 0.012% of alleles in individuals of European (Non-Finnish) descent in gnomAD. At this time, the clinical significance of this variant is uncertain due to the absence of conclusive functional and genetic evidence.

Ambry Genetics
Classification: Uncertain significance. Last evaluated: 2025-05-28. Review status: criteria provided, single submitter. Criteria: Ambry Variant Classification Scheme 2023. Collection method: clinical testing. Allele origin: germline.

NM_017419.3(ASIC5):c.1444A>G (p.Ile482Val)

Gene: ASIC5 (acid sensing ion channel subunit family member 5; minus strand). Cytogenetic location: 4q32.1.
Variant type: single nucleotide variant.
Coding change: c.1444A>G on transcript NM_017419.3 (MANE Select); coding-DNA position 1444, A replaced by G.
Protein change: p.Ile482Val; replaces isoleucine 482 with valine.
Molecular consequence: missense variant.
Genome position (GRCh38, 1-based): chr4:155,829,930, T>C on the plus strand (A>G on the coding strand, the complement: ASIC5 is on the minus strand). VCF-style: chr4-155829930-T-C. GRCh37 (hg19) VCF-style: chr4-156751082-T-C.
Other names: short protein forms I482V.
Identifiers: ClinVar variation 3952837 (VCV003952837.2).